The following is an entry in ClinVar:

NM_001127649.3(PEX26):c.685T>C (p.Phe229Leu)

Gene: PEX26 (peroxisomal biogenesis factor 26; plus strand). Cytogenetic location: 22q11.21.
Variant type: single nucleotide variant.
Coding change: c.685T>C on transcript NM_001127649.3 (MANE Select); coding-DNA position 685, T replaced by C.
Protein change: p.Phe229Leu; replaces phenylalanine 229 with leucine.
Molecular consequence: missense variant. On other transcripts: intron variant (1).
Genome position (GRCh38, 1-based): chr22:18,085,129, T>C. VCF-style: chr22-18085129-T-C. GRCh37 (hg19) VCF-style: chr22-18567895-T-C.
Other names: c.685T>C, p.Phe229Leu (NM_017929.6); c.667+1397T>C (NM_001199319.2); short protein forms F229L.
Identifiers: ClinVar variation 1436553 (VCV001436553.3), dbSNP rs1331262454, ClinGen allele CA410268491.

ClinVar aggregate classification (germline): Uncertain significance (1 of 4 stars; one submission).

Conditions:
Peroxisome biogenesis disorder 7A (Zellweger). Also called: Peroxisome biogenesis disorder 7A. Identifiers: Orphanet 912, MedGen C3888385, MONDO:0013938, OMIM 614872.
Peroxisome biogenesis disorder 7B (PBD7B). Identifiers: Orphanet 44, MedGen C3553951, MONDO:0013939, OMIM 614873.

Allele frequency attached by ClinVar (database versions not stated): gnomAD exomes below 0.00001; gnomAD 0.00001.
gnomAD v4.1: 3 of 1,613,998 alleles (0.00019%); highest among the groups gnomAD compares: Admixed American, 0.005%; no homozygotes.

Submission:

Labcorp Genetics (formerly Invitae), Labcorp
Classification: Uncertain significance for Peroxisome biogenesis disorder 7A (Zellweger); Peroxisome biogenesis disorder 7B. Last evaluated: 2022-02-20. Review status: criteria provided, single submitter. Criteria: Invitae Variant Classification Sherloc (09022015). Collection method: clinical testing. Allele origin: germline.
Comment: This sequence change replaces phenylalanine, which is neutral and non-polar, with leucine, which is neutral and non-polar, at codon 229 of the PEX26 protein (p.Phe229Leu). The frequency data for this variant in the population databases is considered unreliable, as metrics indicate poor data quality at this position in the gnomAD database. This variant has not been reported in the literature in individuals affected with PEX26-related conditions. Algorithms developed to predict the effect of missense changes on protein structure and function output the following: SIFT: "Tolerated"; PolyPhen-2: "Benign"; Align-GVGD: "Class C0". The leucine amino acid residue is found in multiple mammalian species, which suggests that this missense change does not adversely affect protein function. In summary, the available evidence is currently insufficient to determine the role of this variant in disease. Therefore, it has been classified as a Variant of Uncertain Significance.